The following is an entry in ClinVar:

NM_007194.4(CHEK2):c.571del (p.Leu191fs)

Gene: CHEK2 (checkpoint kinase 2; minus strand). Cytogenetic location: 22q12.1.
Variant type: Deletion.
Coding change: c.571del on transcript NM_007194.4 (MANE Select); coding-DNA position 571, one base deleted (C; older notation c.571delC).
Protein change: p.Leu191fs; shifts the reading frame from leucine 191.
Molecular consequence: frameshift variant. On other transcripts: 5 prime UTR variant (2), intron variant (1).
Genome position (GRCh38, 1-based): chr22:28,724,998, G deleted on the plus strand (C on the coding strand, the reverse complement: CHEK2 is on the minus strand). VCF-style (leftmost placement, unchanged base first): chr22-28724997-AG-A. GRCh37 (hg19) VCF-style: chr22-29120985-AG-A.
Other names: c.700del, p.Leu234fs (NM_001005735.3, NM_001438294.1); c.-207del (NM_001257387.3); c.-93del (NM_001437942.1); c.664del, p.Leu222fs (NM_001438293.1, NM_001438295.1); c.571del, p.Leu191fs (NM_145862.3); c.445-75del (NM_001349956.3); short protein forms L234fs, L191fs, L222fs.
Identifiers: ClinVar variation 2772452 (VCV002772452.3), dbSNP rs2518050728, ClinGen allele CA2697552620.
Genomic context (GRCh38, chr22:28,724,997, plus strand): 5'-GAAAAAAAAAATTCCAGTAACCATAAGATAATAATATTACCTTTATTTCTGCTTAGTGAC[AG>A]TGCAATTTCAGAATTGTTATTCAAAGGACGGCGTTTTCCTTTCCCTACAAGCTCTGTATT-3'

ClinVar aggregate classification (germline): Pathogenic (1 of 4 stars; one submission).

Conditions:
Familial cancer of breast. Also called: hereditary breast carcinoma; BREAST CANCER, FAMILIAL; Hereditary breast cancer. Identifiers: Orphanet 227535, MedGen C0346153, MONDO:0016419, OMIM 114480. Disease mechanism: loss of function.

Submission:

Labcorp Genetics (formerly Invitae), Labcorp
Classification: Pathogenic for Familial cancer of breast. Last evaluated: 2023-11-03. Review status: criteria provided, single submitter. Criteria: Invitae Variant Classification Sherloc (09022015). Collection method: clinical testing. Allele origin: germline.
Comment: This sequence change creates a premature translational stop signal (p.Leu191Cysfs*3) in the CHEK2 gene. It is expected to result in an absent or disrupted protein product. Loss-of-function variants in CHEK2 are known to be pathogenic (PMID: 21876083, 24713400). This variant is not present in population databases (gnomAD no frequency). This variant has not been reported in the literature in individuals affected with CHEK2-related conditions. For these reasons, this variant has been classified as Pathogenic.

Literature cited by the submitters: PubMed 21876083; PubMed 24713400.